The following is an entry in ClinVar:

ClinVar aggregate classification (germline): Uncertain significance (1 of 4 stars; one submission).

Allele frequency attached by ClinVar (database versions not stated): gnomAD exomes below 0.00001; ExAC 0.00002.
gnomAD v4.1: 2 of 1,613,956 alleles (0.00012%); highest among the groups gnomAD compares: Non-Finnish European, 0.00017%; no homozygotes.

Submission:

Labcorp Genetics (formerly Invitae), Labcorp
Classification: Uncertain significance. Last evaluated: 2022-12-18. Review status: criteria provided, single submitter. Criteria: Invitae Variant Classification Sherloc (09022015). Collection method: clinical testing. Allele origin: germline.
Comment: This sequence change replaces arginine, which is basic and polar, with glycine, which is neutral and non-polar, at codon 54 of the RPL9 protein (p.Arg54Gly). In summary, the available evidence is currently insufficient to determine the role of this variant in disease. Therefore, it has been classified as a Variant of Uncertain Significance. Algorithms developed to predict the effect of missense changes on protein structure and function (SIFT, PolyPhen-2, Align-GVGD) all suggest that this variant is likely to be tolerated. This variant has not been reported in the literature in individuals affected with RPL9-related conditions. This variant is present in population databases (rs761909586, gnomAD 0.002%).

NM_000661.5(RPL9):c.160A>G (p.Arg54Gly)

Gene: RPL9 (ribosomal protein L9; minus strand). Cytogenetic location: 4p14.
Variant type: single nucleotide variant.
Coding change: c.160A>G on transcript NM_000661.5 (MANE Select); coding-DNA position 160, A replaced by G.
Protein change: p.Arg54Gly; replaces arginine 54 with glycine.
Molecular consequence: missense variant.
Genome position (GRCh38, 1-based): chr4:39,458,196, T>C on the plus strand (A>G on the coding strand, the complement: RPL9 is on the minus strand). VCF-style: chr4-39458196-T-C. GRCh37 (hg19) VCF-style: chr4-39459816-T-C.
Other names: c.160A>G, p.Arg54Gly (NM_001024921.4); short protein forms R54G.
Identifiers: ClinVar variation 2961452 (VCV002961452.3), dbSNP rs761909586, ClinGen allele CA2894379.